The following is an entry in ClinVar:

ClinVar aggregate classification (germline): Likely pathogenic (1 of 4 stars; one submission).

Conditions:
Familial thoracic aortic aneurysm and aortic dissection (TAAD). Also called: Thoracic aortic aneurysms and dissections. Identifiers: Orphanet 91387, MedGen C4707243, MONDO:0019625.

Submission:

Ambry Genetics
Classification: Likely pathogenic for Familial thoracic aortic aneurysm and aortic dissection. Last evaluated: 2025-09-19. Review status: criteria provided, single submitter. Criteria: Ambry Variant Classification Scheme 2023. Collection method: clinical testing. Allele origin: germline.
Comment: The p.C111G variant (also known as c.331T>G), located in coding exon 3 of the FBN1 gene, results from a T to G substitution at nucleotide position 331. The cysteine at codon 111 is replaced by glycine, an amino acid with highly dissimilar properties. This variant was reported in individual(s) with features consistent with Marfan syndrome and related fibrillinopathies (Baudhuin LM et al. J Hum Genet, 2015 May;60:241-52; Ambry internal data). The majority of FBN1 mutations identified to date have involved the substitution or generation of cysteine residues within cbEGF domains (Vollbrandt T et al. J Biol Chem. 2004;279(31):32924-32931). Internal structural analysis indicates this alteration eliminates a disulfide bond critical for the structural integrity of the EGF1 domain (Ambry internal data). This amino acid position is highly conserved in available vertebrate species. In addition, this alteration is predicted to be deleterious by in silico analysis. This variant is considered to be rare based on population cohorts in the Genome Aggregation Database (gnomAD). Based on the majority of available evidence to date, this variant is likely to be pathogenic.

Literature cited by the submitters: PubMed 25652356.

NM_000138.5(FBN1):c.331T>G (p.Cys111Gly)

Gene: FBN1 (fibrillin 1; minus strand). Cytogenetic location: 15q21.1.
Variant type: single nucleotide variant.
Coding change: c.331T>G on transcript NM_000138.5 (MANE Select); coding-DNA position 331, T replaced by G.
Protein change: p.Cys111Gly; replaces cysteine 111 with glycine.
Molecular consequence: missense variant.
Genome position (GRCh38, 1-based): chr15:48,610,743, A>C on the plus strand (T>G on the coding strand, the complement: FBN1 is on the minus strand). VCF-style: chr15-48610743-A-C. GRCh37 (hg19) VCF-style: chr15-48902940-A-C.
Other names: c.331T>G, p.Cys111Gly (NM_001406716.1, NM_001406717.1); short protein forms C111G.
Identifiers: ClinVar variation 4635361 (VCV004635361.1).
Genomic context (GRCh38, chr15:48,610,743, plus strand): 5'-TAACCACATAAAATAATATTATATATAATGACATGTTAGACTTACTGGATCTGGAGCCAC[A>C]GGAAGGAGCTATCTGACCAGATGGGCAAGTGCACATATTTGGCCTCGAACAAAATCCATC-3'
Protein context (NP_000129.3, residues 101-121): TCPSGQIAPS[Cys111Gly]GSRSIQHCNI